The following is an entry in ClinVar:

NM_006445.4(PRPF8):c.4990A>G (p.Ile1664Val)

Gene: PRPF8 (pre-mRNA processing factor 8; minus strand). Cytogenetic location: 17p13.3.
Variant type: single nucleotide variant.
Coding change: c.4990A>G on transcript NM_006445.4 (MANE Select); coding-DNA position 4990, A replaced by G.
Protein change: p.Ile1664Val; replaces isoleucine 1664 with valine.
Molecular consequence: missense variant.
Genome position (GRCh38, 1-based): chr17:1,659,505, T>C on the plus strand (A>G on the coding strand, the complement: PRPF8 is on the minus strand). VCF-style: chr17-1659505-T-C. GRCh37 (hg19) VCF-style: chr17-1562799-T-C.
Other names: short protein forms I1664V.
Identifiers: ClinVar variation 4795335 (VCV004795335.1).

ClinVar aggregate classification (germline): Uncertain significance (1 of 4 stars; one submission).

Submission:

GeneDx
Classification: Uncertain significance. Last evaluated: 2025-08-14. Review status: criteria provided, single submitter. Criteria: GeneDx Variant Classification Process June 2021. Collection method: clinical testing. Allele origin: germline. Affected: yes.
Comment: Not observed at significant frequency in large population cohorts (gnomAD); In silico analysis suggests that this missense variant does not alter protein structure/function; Has not been previously published as pathogenic or benign to our knowledge